The following is an entry in ClinVar:

NM_004260.4(RECQL4):c.368T>G (p.Leu123Arg)

Gene: RECQL4 (RecQ like helicase 4; minus strand). Cytogenetic location: 8q24.3.
Variant type: single nucleotide variant.
Coding change: c.368T>G on transcript NM_004260.4 (MANE Select); coding-DNA position 368, T replaced by G.
Protein change: p.Leu123Arg; replaces leucine 123 with arginine.
Molecular consequence: missense variant.
Genome position (GRCh38, 1-based): chr8:144,516,751, A>C on the plus strand (T>G on the coding strand, the complement: RECQL4 is on the minus strand). VCF-style: chr8-144516751-A-C. GRCh37 (hg19) VCF-style: chr8-145742135-A-C.
Other names: short protein forms L123R.
Identifiers: ClinVar variation 1018566 (VCV001018566.3), dbSNP rs1301601410, ClinGen allele CA372691746.

ClinVar aggregate classification (germline): Uncertain significance (1 of 4 stars; one submission).

Conditions:
Baller-Gerold syndrome (BGS). Also called: CRANIOSYNOSTOSIS WITH RADIAL DEFECTS. Identifiers: Orphanet 1225, MedGen C0265308, MONDO:0009039, OMIM 218600.

Submission:

Labcorp Genetics (formerly Invitae), Labcorp
Classification: Uncertain significance for Baller-Gerold syndrome. Last evaluated: 2022-10-18. Review status: criteria provided, single submitter. Criteria: Invitae Variant Classification Sherloc (09022015). Collection method: clinical testing. Allele origin: germline.
Comment: In summary, the available evidence is currently insufficient to determine the role of this variant in disease. Therefore, it has been classified as a Variant of Uncertain Significance. Advanced modeling of protein sequence and biophysical properties (such as structural, functional, and spatial information, amino acid conservation, physicochemical variation, residue mobility, and thermodynamic stability) performed at Invitae indicates that this missense variant is not expected to disrupt RECQL4 protein function. ClinVar contains an entry for this variant (Variation ID: 1018566). This variant has not been reported in the literature in individuals affected with RECQL4-related conditions. This variant is not present in population databases (gnomAD no frequency). This sequence change replaces leucine, which is neutral and non-polar, with arginine, which is basic and polar, at codon 123 of the RECQL4 protein (p.Leu123Arg).